The following is an entry in ClinVar:

ClinVar aggregate classification (germline): Uncertain significance (1 of 4 stars; one submission).

Conditions:
NIK deficiency. Also called: Primary immunodeficiency with multifaceted aberrant lymphoid immunity. Identifiers: Orphanet 447731, MedGen C5680065, MONDO:0018642.

Submission:

Labcorp Genetics (formerly Invitae), Labcorp
Classification: Uncertain significance for NIK deficiency. Last evaluated: 2025-10-21. Review status: criteria provided, single submitter. Criteria: Invitae Variant Classification Sherloc (09022015). Collection method: clinical testing. Allele origin: germline.
Comment: This sequence change affects a donor splice site in intron 11 of the MAP3K14 gene. It is expected to disrupt RNA splicing. Variants that disrupt the donor or acceptor splice site typically lead to a loss of protein function (PMID: 16199547), however the current clinical and genetic evidence is not sufficient to establish whether loss-of-function variants in MAP3K14 cause disease. This variant is not present in population databases (gnomAD no frequency). This variant has not been reported in the literature in individuals affected with MAP3K14-related conditions. ClinVar contains an entry for this variant (Variation ID: 3648040). Algorithms developed to predict the effect of sequence changes on RNA splicing suggest that this variant may disrupt the consensus splice site. In summary, the available evidence is currently insufficient to determine the role of this variant in disease. Therefore, it has been classified as a Variant of Uncertain Significance.

Literature cited by the submitters: PubMed 16199547.

NM_003954.5(MAP3K14):c.1972+1G>A

Gene: MAP3K14 (mitogen-activated protein kinase kinase kinase 14; minus strand). Cytogenetic location: 17q21.31.
Variant type: single nucleotide variant.
Coding change: c.1972+1G>A on transcript NM_003954.5 (MANE Select); the canonical splice donor site of the intron after coding-DNA position 1972, G replaced by A.
Molecular consequence: splice donor variant.
Genome position (GRCh38, 1-based): chr17:45,270,412, C>T on the plus strand (G>A on the coding strand, the complement: MAP3K14 is on the minus strand). VCF-style: chr17-45270412-C-T. GRCh37 (hg19) VCF-style: chr17-43347779-C-T.
Identifiers: ClinVar variation 3648040 (VCV003648040.2).